The following is an entry in ClinVar:

NM_004453.4(ETFDH):c.1468+10A>G

Gene: ETFDH (electron transfer flavoprotein dehydrogenase; plus strand). Cytogenetic location: 4q32.1.
Variant type: single nucleotide variant.
Coding change: c.1468+10A>G on transcript NM_004453.4 (MANE Select); 10 bases into the intron after coding-DNA position 1468, A replaced by G.
Molecular consequence: intron variant.
Genome position (GRCh38, 1-based): chr4:158,706,381, A>G. VCF-style: chr4-158706381-A-G. GRCh37 (hg19) VCF-style: chr4-159627533-A-G.
Other names: c.1327+10A>G (NM_001281737.2); c.1285+10A>G (NM_001281738.1).
Identifiers: ClinVar variation 379098 (VCV000379098.10), dbSNP rs144205191, ClinGen allele CA3122628.
Genomic context (GRCh38, chr4:158,706,381, plus strand): 5'-TCTTTTACTGGATATTGAGAGGAATGGAGCCGTGGACTCTGAAACATAAAGGTAATTCAA[A>G]CAAGAGTATGAGTGACATGATCATTAAAAATTCATGAATGGGATCTGTTAATTAGAGAAA-3'

ClinVar aggregate classification (germline): Likely benign. Review status: criteria provided, multiple submitters, no conflicts (2 of 4 stars). 2 submissions from 2 submitters: Likely benign (2). Last evaluated 2022-05-20.

Conditions:
Multiple acyl-CoA dehydrogenase deficiency (MADD). Also called: Glutaric acidemia type II; GA 2; ETHYLMALONIC-ADIPICACIDURIA; GA II; Glutaric aciduria, type 2; Glutaric Acidemia type 2. Identifiers: Orphanet 26791, MedGen C0268596, MONDO:0009282, OMIM 231680.

gnomAD v4.1: 1 of 1,599,022 alleles (0.000063%); highest among the groups gnomAD compares: South Asian, 0.0011%; no homozygotes.

Submissions (2):

Labcorp Genetics (formerly Invitae), Labcorp
Classification: Likely benign for Multiple acyl-CoA dehydrogenase deficiency. Last evaluated: 2022-05-20. Review status: criteria provided, single submitter. Criteria: Invitae Variant Classification Sherloc (09022015). Collection method: clinical testing. Allele origin: germline.

GeneDx
Classification: Likely benign. Last evaluated: 2016-07-05. Review status: criteria provided, single submitter. Criteria: GeneDx Variant Classification (06012015). Collection method: clinical testing. Allele origin: germline. Affected: yes.
Comment: This variant is considered likely benign or benign based on one or more of the following criteria: it is a conservative change, it occurs at a poorly conserved position in the protein, it is predicted to be benign by multiple in silico algorithms, and/or has population frequency not consistent with disease.